The following is an entry in ClinVar:

ClinVar aggregate classification (germline): Conflicting classifications of pathogenicity. Review status: criteria provided, conflicting classifications (1 of 4 stars). 2 submissions from 2 submitters: Pathogenic (1); Uncertain significance (1). Last evaluated 2026-04-13.

Conditions:
Inborn genetic diseases. Identifiers: MedGen C0950123, MeSH D030342.

Submissions (2):

Ambry Genetics
Classification: Pathogenic for Inborn genetic diseases. Last evaluated: 2026-04-13. Review status: criteria provided, single submitter. Criteria: Ambry Variant Classification Scheme 2023. Collection method: clinical testing. Allele origin: germline.
Comment: The c.3301+3_3301+6delAAGT intronic variant begins 3 nucleotides after exon 21 (coding exon 18) in the ZMYM2 gene. This variant consists of a deletion of 4 nucleotides at positions c.3301+3 to c.3301+6. Based on data from gnomAD, this allele has an overall frequency of <0.001% (1/230760) total alleles studied. The highest observed frequency was <0.001% (1/63570) of European (Finnish)alleles. This variant was reported in individual(s) with neurodevelopmental features; in at least one individual, it was determined to be de novo (Neale, 2012; Wang, 2020; Kaplanis, 2020; DECIPHER). Of note, this variant is also known as c.3301+1_3301+4delGTAA in the literature. These nucleotide positions are highly conserved in available vertebrate species. In silico splice site analysis predicts that this alteration will weaken the native splice donor site. Based on the available evidence, this alteration is classified as pathogenic.

GeneDx
Classification: Uncertain significance. Last evaluated: 2025-11-16. Review status: criteria provided, single submitter. Criteria: GeneDx Variant Classification Process June 2021. Collection method: clinical testing. Allele origin: germline. Affected: yes.
Comment: In silico analysis, which includes splice predictors and evolutionary conservation, predicts the natural splice donor site of intron 21 destroyed and supports a deleterious effect; This variant is associated with the following publications: (PMID: 35982159, 35982160, 33004838, 33057194, 22495311)

Literature cited by the submitters: PubMed 22495311 (cited by Ambry Genetics); PubMed 33004838 (cited by Ambry Genetics); PubMed 33057194 (cited by Ambry Genetics).

NM_197968.4(ZMYM2):c.3301+3_3301+6del

Gene: ZMYM2 (zinc finger MYM-type containing 2; plus strand). Cytogenetic location: 13q12.11.
Variant type: Deletion.
Coding change: c.3301+3_3301+6del on transcript NM_197968.4 (MANE Select); bases 3 to 6 of the intron after coding-DNA position 3301, 4 bases deleted (AAGT; older notation c.3301+3_3301+6delAAGT).
Molecular consequence: splice donor variant.
Genome position (GRCh38, 1-based): chr13:20,067,022-20,067,025, AAGT deleted; deleting any 4 consecutive bases within chr13:20,067,020-20,067,025 gives the same sequence; the c. name uses the placement nearest the transcript's 3' end. VCF-style (leftmost placement, unchanged base first): chr13-20067019-TGTAA-T. GRCh37 (hg19) VCF-style: chr13-20641159-TGTAA-T.
Other names: c.3040+3_3040+6del (NM_001353163.2); c.3301+3_3301+6del (NM_001353157.2, NM_001353164.2, NM_001353159.2 and 5 more transcripts); c.3106+3_3106+6del (NM_001353161.3); c.3301+3_3301+6delAAGT (NM_003453.3).
Identifiers: ClinVar variation 1206498 (VCV001206498.5), dbSNP rs745854601, ClinGen allele CA6903802.